The following is an entry in ClinVar:

ClinVar aggregate classification (germline): Uncertain significance. Review status: criteria provided, multiple submitters, no conflicts (2 of 4 stars). 2 submissions from 2 submitters: Uncertain significance (2). Last evaluated 2024-08-31.

Conditions:
Inborn genetic diseases. Identifiers: MedGen C0950123, MeSH D030342.
Hereditary spastic paraplegia 72 (SPG72A). Also called: Spastic paraplegia 72, autosomal recessive. Identifiers: Orphanet 401849, MedGen C5882669, MONDO:0014282, OMIM 615625.

Allele frequency attached by ClinVar (database versions not stated): ExAC 0.00010; gnomAD 0.00004; TOPMed 0.00005; gnomAD exomes 0.00009 and 0.00012.

Submissions (2):

Labcorp Genetics (formerly Invitae), Labcorp
Classification: Uncertain significance for Hereditary spastic paraplegia 72. Last evaluated: 2024-08-31. Review status: criteria provided, single submitter. Criteria: Invitae Variant Classification Sherloc (09022015). Collection method: clinical testing. Allele origin: germline.
Comment: This sequence change replaces valine, which is neutral and non-polar, with isoleucine, which is neutral and non-polar, at codon 44 of the REEP2 protein (p.Val44Ile). This variant is present in population databases (rs772821081, gnomAD 0.02%). This variant has not been reported in the literature in individuals affected with REEP2-related conditions. ClinVar contains an entry for this variant (Variation ID: 855237). An algorithm developed to predict the effect of missense changes on protein structure and function (PolyPhen-2) suggests that this variant is likely to be tolerated. In summary, the available evidence is currently insufficient to determine the role of this variant in disease. Therefore, it has been classified as a Variant of Uncertain Significance.

Ambry Genetics
Classification: Uncertain significance for Inborn genetic diseases. Last evaluated: 2024-08-27. Review status: criteria provided, single submitter. Criteria: Ambry Variant Classification Scheme 2023. Collection method: clinical testing. Allele origin: germline.

NM_001271803.2(REEP2):c.130G>A (p.Val44Ile)

Gene: REEP2 (receptor accessory protein 2; plus strand). Cytogenetic location: 5q31.2.
Variant type: single nucleotide variant.
Coding change: c.130G>A on transcript NM_001271803.2 (MANE Select); coding-DNA position 130, G replaced by A.
Protein change: p.Val44Ile; replaces valine 44 with isoleucine.
Molecular consequence: missense variant. On other transcripts: non-coding transcript variant (2).
Genome position (GRCh38, 1-based): chr5:138,441,409, G>A. VCF-style: chr5-138441409-G-A. GRCh37 (hg19) VCF-style: chr5-137777098-G-A.
Other names: c.130G>A, p.Val44Ile (NM_016606.4); c.130G>A (NM_016606.2); short protein forms V44I.
Identifiers: ClinVar variation 855237 (VCV000855237.11), dbSNP rs772821081, ClinGen allele CA3429713.